The following is an entry in ClinVar:

NM_001184.4(ATR):c.3965C>A (p.Ala1322Glu)

Gene: ATR (ATR checkpoint kinase; minus strand). Cytogenetic location: 3q23.
Variant type: single nucleotide variant.
Coding change: c.3965C>A on transcript NM_001184.4 (MANE Select); coding-DNA position 3965, C replaced by A.
Protein change: p.Ala1322Glu; replaces alanine 1322 with glutamic acid.
Molecular consequence: missense variant.
Genome position (GRCh38, 1-based): chr3:142,524,180, G>T on the plus strand (C>A on the coding strand, the complement: ATR is on the minus strand). VCF-style: chr3-142524180-G-T. GRCh37 (hg19) VCF-style: chr3-142243022-G-T.
Other names: c.3773C>A, p.Ala1258Glu (NM_001354579.2); short protein forms A1258E, A1322E.
Identifiers: ClinVar variation 1523152 (VCV001523152.8), dbSNP rs75450693, ClinGen allele CA2649946.
Genomic context (GRCh38, chr3:142,524,180, plus strand): 5'-CCTTTCAAAAGCACTGTCACCAACTGTGAGATAATAGGTTCTACTGTTTCACTGTCTGTT[G>T]CATACTTTATCAGTTTTTCCTAAAATAAAAGTAGAAAGAAAATTTATACGTAATTTCTAC-3'
Protein context (NP_001175.2, residues 1312-1332): YKNQEKLIKY[Ala1322Glu]TDSETVEPII

ClinVar aggregate classification (germline): Uncertain significance (1 of 4 stars; one submission).

Allele frequency attached by ClinVar (database versions not stated): gnomAD 0.00001; gnomAD exomes 0.00001 and 0.00004; TOPMed 0.00001; ExAC 0.00008.
gnomAD v4.1: 16 of 1,613,284 alleles (0.00099%); highest among the groups gnomAD compares: Non-Finnish European, 0.0014%; no homozygotes.

Submission:

Labcorp Genetics (formerly Invitae), Labcorp
Classification: Uncertain significance. Last evaluated: 2024-02-15. Review status: criteria provided, single submitter. Criteria: Invitae Variant Classification Sherloc (09022015). Collection method: clinical testing. Allele origin: germline.
Comment: This sequence change replaces alanine, which is neutral and non-polar, with glutamic acid, which is acidic and polar, at codon 1322 of the ATR protein (p.Ala1322Glu). This variant is present in population databases (rs75450693, gnomAD 0.009%). This variant has not been reported in the literature in individuals affected with ATR-related conditions. ClinVar contains an entry for this variant (Variation ID: 1523152). An algorithm developed to predict the effect of missense changes on protein structure and function (PolyPhen-2) suggests that this variant is likely to be tolerated. In summary, the available evidence is currently insufficient to determine the role of this variant in disease. Therefore, it has been classified as a Variant of Uncertain Significance.